The following is an entry in ClinVar:

ClinVar aggregate classification (germline): Uncertain significance. Review status: criteria provided, multiple submitters, no conflicts (2 of 4 stars). 3 submissions from 3 submitters: Uncertain significance (3). Last evaluated 2026-03-01.

Conditions:
Progressive sclerosing poliodystrophy (MTDPS4A). Also called: Mitochondrial DNA depletion syndrome 4A (Alpers type); Mitochondrial DNA Depletion Syndrome 4A; ALPERS PROGRESSIVE INFANTILE POLIODYSTROPHY; Alpers-Huttenlocher Syndrome; Alpers Syndrome; ALPERS DIFFUSE DEGENERATION OF CEREBRAL GRAY MATTER WITH HEPATIC CIRRHOSIS. Identifiers: Orphanet 726, MedGen C0205710, MONDO:0008758, OMIM 203700.

Allele frequency attached by ClinVar (database versions not stated): ExAC 0.00002; gnomAD 0.00001; gnomAD exomes 0.00001; TOPMed 0.00001.
gnomAD v4.1: 20 of 1,565,146 alleles (0.0013%); highest among the groups gnomAD compares: South Asian, 0.0012%; no homozygotes.

Submissions (3):

CeGaT Center for Human Genetics Tuebingen
Classification: Uncertain significance. Last evaluated: 2026-03-01. Review status: criteria provided, single submitter. Criteria: CeGaT Center For Human Genetics Tuebingen Variant Classification Criteria Version 2. Collection method: clinical testing. Allele origin: germline. Affected: yes. Observed: 1 variant allele.
Comment: POLG: PM2:Supporting

Labcorp Genetics (formerly Invitae), Labcorp
Classification: Uncertain significance for Progressive sclerosing poliodystrophy. Last evaluated: 2022-10-09. Review status: criteria provided, single submitter. Criteria: Invitae Variant Classification Sherloc (09022015). Collection method: clinical testing. Allele origin: germline.
Comment: This sequence change replaces arginine, which is basic and polar, with tryptophan, which is neutral and slightly polar, at codon 193 of the POLG protein (p.Arg193Trp). The frequency data for this variant in the population databases is considered unreliable, as metrics indicate poor data quality at this position in the gnomAD database. This variant has not been reported in the literature in individuals affected with POLG-related conditions. ClinVar contains an entry for this variant (Variation ID: 206624). Advanced modeling of protein sequence and biophysical properties (such as structural, functional, and spatial information, amino acid conservation, physicochemical variation, residue mobility, and thermodynamic stability) has been performed at Invitae for this missense variant, however the output from this modeling did not meet the statistical confidence thresholds required to predict the impact of this variant on POLG protein function. In summary, the available evidence is currently insufficient to determine the role of this variant in disease. Therefore, it has been classified as a Variant of Uncertain Significance.

GeneDx
Classification: Uncertain significance. Last evaluated: 2017-05-02. Review status: criteria provided, single submitter. Criteria: GeneDx Variant Classification (06012015). Collection method: clinical testing. Allele origin: germline. Affected: yes.
Comment: p.Arg193Trp (CGG>TGG): c.577 C>T in exon 2 of the POLG gene (NM_002693.2). The R193W variant has not been published as a mutation, nor has it been reported as a benign polymorphism to our knowledge. It was not observed in approximately 6,500 individuals of European and African American ancestry in the NHLBI Exome Sequencing Project, indicating it is not a common benign variant in these populations. The R193W variant is a non-conservative amino acid substitution, which is likely to impact secondary protein structure as these residues differ in polarity, charge, size and/or other properties. This substitution occurs at a position that is conserved across mammals. In silico analysis predicts this variant is probably damaging to the protein structure/function. However, missense mutations in nearby residues have not been reported in association with POLG-related disorders. Therefore, based on the currently available information, it is unclear whether this variant is a pathogenic mutation or a rare benign variant. The variant is found in INFANT-EPI panel(s).

NM_002693.3(POLG):c.577C>T (p.Arg193Trp)

Genes: POLG (DNA polymerase gamma, catalytic subunit; minus strand), POLGARF (POLG alternative reading frame; minus strand). Cytogenetic location: 15q26.1.
Variant type: single nucleotide variant.
Coding change: c.577C>T on transcript NM_002693.3 (MANE Select); coding-DNA position 577, C replaced by T.
Protein change: p.Arg193Trp; replaces arginine 193 with tryptophan.
Molecular consequence: missense variant.
Genome position (GRCh38, 1-based): chr15:89,333,178, G>A on the plus strand (C>T on the coding strand, the complement: POLG is on the minus strand). VCF-style: chr15-89333178-G-A. GRCh37 (hg19) VCF-style: chr15-89876409-G-A.
Other names: p.R193W:CGG>TGG; c.577C>T, p.Arg193Trp (NM_001126131.2); short protein forms R193W.
Identifiers: ClinVar variation 206624 (VCV000206624.9), dbSNP rs772048616, ClinGen allele CA316887.